The following is an entry in ClinVar:

ClinVar aggregate classification (germline): Likely benign (1 of 4 stars; one submission).

Submission:

CeGaT Center for Human Genetics Tuebingen
Classification: Likely benign. Last evaluated: 2025-07-01. Review status: criteria provided, single submitter. Criteria: CeGaT Center For Human Genetics Tuebingen Variant Classification Criteria Version 2. Collection method: clinical testing. Allele origin: germline. Affected: yes. Observed: 1 variant allele.
Comment: ZBTB47: BP4, BP7

NM_145166.4(ZBTB47):c.2187G>C (p.Pro729=)

Gene: ZBTB47 (zinc finger and BTB domain containing 47; plus strand). Cytogenetic location: 3p22.1.
Variant type: single nucleotide variant.
Coding change: c.2187G>C on transcript NM_145166.4 (MANE Select); coding-DNA position 2187, G replaced by C.
Protein change: p.Pro729=; no amino-acid change (proline 729 retained).
Molecular consequence: synonymous variant.
Genome position (GRCh38, 1-based): chr3:42,664,541, G>C. VCF-style: chr3-42664541-G-C. GRCh37 (hg19) VCF-style: chr3-42706033-G-C.
Other names: c.2271G>C, p.Pro757= (NM_001410746.1).
Identifiers: ClinVar variation 4084546 (VCV004084546.8).